The following is an entry in ClinVar:

ClinVar aggregate classification (germline): Uncertain significance (1 of 4 stars; one submission).

Allele frequency attached by ClinVar (database versions not stated): gnomAD exomes below 0.00001; gnomAD 0.00001.
gnomAD v4.1: 4 of 1,613,202 alleles (0.00025%); highest among the groups gnomAD compares: African/African-American, 0.004%; no homozygotes.

Submission:

Labcorp Genetics (formerly Invitae), Labcorp
Classification: Uncertain significance. Last evaluated: 2025-02-12. Review status: criteria provided, single submitter. Criteria: Invitae Variant Classification Sherloc (09022015). Collection method: clinical testing. Allele origin: germline.
Comment: This sequence change replaces alanine, which is neutral and non-polar, with threonine, which is neutral and polar, at codon 442 of the MYLK3 protein (p.Ala442Thr). This variant is present in population databases (rs768408009, gnomAD 0.01%). This variant has not been reported in the literature in individuals affected with MYLK3-related conditions. ClinVar contains an entry for this variant (Variation ID: 1479698). An algorithm developed to predict the effect of missense changes on protein structure and function outputs the following: PolyPhen-2: "Benign". The threonine amino acid residue is found in multiple mammalian species, which suggests that this missense change does not adversely affect protein function. In summary, the available evidence is currently insufficient to determine the role of this variant in disease. Therefore, it has been classified as a Variant of Uncertain Significance.

NM_182493.3(MYLK3):c.1324G>A (p.Ala442Thr)

Gene: MYLK3 (myosin light chain kinase 3; minus strand). Cytogenetic location: 16q11.2.
Variant type: single nucleotide variant.
Coding change: c.1324G>A on transcript NM_182493.3 (MANE Select); coding-DNA position 1324, G replaced by A.
Protein change: p.Ala442Thr; replaces alanine 442 with threonine.
Molecular consequence: missense variant.
Genome position (GRCh38, 1-based): chr16:46,732,346, C>T on the plus strand (G>A on the coding strand, the complement: MYLK3 is on the minus strand). VCF-style: chr16-46732346-C-T. GRCh37 (hg19) VCF-style: chr16-46766258-C-T.
Other names: c.301G>A, p.Ala101Thr (NM_001308301.1); short protein forms A101T, A442T.
Identifiers: ClinVar variation 1479698 (VCV001479698.6), dbSNP rs768408009, ClinGen allele CA280230079.